The following is an entry in ClinVar:

ClinVar aggregate classification (germline): Pathogenic (1 of 4 stars; one submission).

Submission:

Labcorp Genetics (formerly Invitae), Labcorp
Classification: Pathogenic. Last evaluated: 2022-07-09. Review status: criteria provided, single submitter. Criteria: Invitae Variant Classification Sherloc (09022015). Collection method: clinical testing. Allele origin: germline.
Comment: For these reasons, this variant has been classified as Pathogenic. This variant has not been reported in the literature in individuals affected with ACAD9-related conditions. This variant is not present in population databases (gnomAD no frequency). This sequence change creates a premature translational stop signal (p.Thr32Alafs*15) in the ACAD9 gene. It is expected to result in an absent or disrupted protein product. Loss-of-function variants in ACAD9 are known to be pathogenic (PMID: 25721401).

Literature cited by the submitters: PubMed 25721401.

NM_014049.5(ACAD9):c.92_93dup (p.Thr32fs)

Gene: ACAD9 (acyl-CoA dehydrogenase family member 9; plus strand). Cytogenetic location: 3q21.3.
Variant type: Microsatellite.
Coding change: c.92_93dup on transcript NM_014049.5 (MANE Select); coding-DNA positions 92 to 93, 2 bases duplicated (GC; older notation c.92_93dupGC).
Protein change: p.Thr32fs; shifts the reading frame from threonine 32.
Molecular consequence: frameshift variant. On other transcripts: non-coding transcript variant (1).
Genome position (GRCh38, 1-based): chr3:128,879,783-128,879,784, GC duplicated; duplicating any 2 consecutive bases within chr3:128,879,781-128,879,784 gives the same sequence; the c. name uses the placement nearest the transcript's 3' end. VCF-style (leftmost placement, unchanged base first): chr3-128879780-T-TGC. GRCh37 (hg19) VCF-style: chr3-128598623-T-TGC.
Other names: c.-186_-185GC[3] (NM_001410805.1); short protein forms T32fs.
Identifiers: ClinVar variation 2015294 (VCV002015294.4), dbSNP rs2529221556, ClinGen allele CA2580616530.
Genomic context (GRCh38, chr3:128,879,780, plus strand): 5'-CCACGGCTGCGGCTCGTGCCTGCCGGGGTCTGGTGGTCTCTACCGCGAACCGGCGGCTAC[T>TGC]GCGCACCAGCCCGCCTGTACGAGCTTTCGCCAAAGAGCTTTTCCTAGGCAAAATCAAGAA-3'